The following is an entry in ClinVar:

ClinVar aggregate classification (germline): Conflicting classifications of pathogenicity. Review status: criteria provided, conflicting classifications (1 of 4 stars). 5 submissions from 5 submitters: Uncertain significance (4); Likely benign (1). Last evaluated 2026-06-17.

Conditions:
Inborn genetic diseases. Identifiers: MedGen C0950123, MeSH D030342.
Nephronophthisis 15 (NPHP15). Identifiers: Orphanet 3156, MedGen C3541853, MONDO:0013917, OMIM 614845.
CEP164-related disorder. Also called: CEP164-related condition.

Allele frequency attached by ClinVar (database versions not stated): ExAC 0.00001; gnomAD exomes 0.00001.
gnomAD v4.1: 21 of 1,614,216 alleles (0.0013%); highest among the groups gnomAD compares: East Asian, 0.0067%; no homozygotes.

Submissions (5):

PreventionGenetics, part of Exact Sciences
Classification: Uncertain significance for CEP164-related condition. Last evaluated: 2026-06-17. Review status: criteria provided, single submitter. Criteria: ACMG Guidelines, 2015. Collection method: clinical testing. Allele origin: germline.
Comment: The CEP164 c.902G>A variant is predicted to result in the amino acid substitution p.Arg301Gln. To our knowledge, this variant has not been reported in the literature. This variant is reported in 0.0054% of alleles in individuals of East Asian descent in gnomAD. At this time, the clinical significance of this variant is uncertain due to the absence of conclusive functional and genetic evidence.

Labcorp Genetics (formerly Invitae), Labcorp
Classification: Uncertain significance for Nephronophthisis 15. Last evaluated: 2025-07-30. Review status: criteria provided, single submitter. Criteria: Invitae Variant Classification Sherloc (09022015). Collection method: clinical testing. Allele origin: germline.
Comment: This sequence change replaces arginine, which is basic and polar, with glutamine, which is neutral and polar, at codon 301 of the CEP164 protein (p.Arg301Gln). This variant is present in population databases (rs769627423, gnomAD 0.002%). This variant has not been reported in the literature in individuals affected with CEP164-related conditions. ClinVar contains an entry for this variant (Variation ID: 1425188). An algorithm developed to predict the effect of missense changes on protein structure and function outputs the following: PolyPhen-2: "Benign". The glutamine amino acid residue is found in multiple mammalian species, which suggests that this missense change does not adversely affect protein function. In summary, the available evidence is currently insufficient to determine the role of this variant in disease. Therefore, it has been classified as a Variant of Uncertain Significance.

Fulgent Genetics
Classification: Uncertain significance for Nephronophthisis 15. Last evaluated: 2024-02-02. Review status: criteria provided, single submitter. Criteria: ACMG Guidelines, 2015. Collection method: clinical testing. Allele origin: germline.

Ambry Genetics
Classification: Likely benign for Inborn genetic diseases. Last evaluated: 2023-11-18. Review status: criteria provided, single submitter. Criteria: Ambry Variant Classification Scheme 2023. Collection method: clinical testing. Allele origin: germline.

Breakthrough Genomics
Classification: Uncertain significance. Review status: criteria provided, single submitter. Criteria: ACMG Guidelines, 2015. Collection method: not provided. Allele origin: germline. Inheritance: Autosomal recessive inheritance. Affected: yes.

NM_014956.5(CEP164):c.902G>A (p.Arg301Gln)

Gene: CEP164 (centrosomal protein 164; plus strand). Cytogenetic location: 11q23.3.
Variant type: single nucleotide variant.
Coding change: c.902G>A on transcript NM_014956.5 (MANE Select); coding-DNA position 902, G replaced by A.
Protein change: p.Arg301Gln; replaces arginine 301 with glutamine.
Molecular consequence: missense variant.
Genome position (GRCh38, 1-based): chr11:117,371,216, G>A. VCF-style: chr11-117371216-G-A. GRCh37 (hg19) VCF-style: chr11-117241932-G-A.
Other names: c.902G>A, p.Arg301Gln (NM_001271933.2); c.902G>A (NM_014956.4); short protein forms R301Q.
Identifiers: ClinVar variation 1425188 (VCV001425188.11), dbSNP rs769627423, ClinGen allele CA6294614.